The following is an entry in ClinVar:

NM_177438.3(DICER1):c.355C>T (p.Leu119Phe)

Gene: DICER1 (dicer 1, ribonuclease III; minus strand). Cytogenetic location: 14q32.13.
Variant type: single nucleotide variant.
Coding change: c.355C>T on transcript NM_177438.3 (MANE Select); coding-DNA position 355, C replaced by T.
Protein change: p.Leu119Phe; replaces leucine 119 with phenylalanine.
Molecular consequence: missense variant.
Genome position (GRCh38, 1-based): chr14:95,131,592, G>A on the plus strand (C>T on the coding strand, the complement: DICER1 is on the minus strand). VCF-style: chr14-95131592-G-A. GRCh37 (hg19) VCF-style: chr14-95597929-G-A.
Other names: c.355C>T, p.Leu119Phe (NM_001195573.1, NM_001271282.3, NM_001291628.2 and 1 more transcripts); short protein forms L119F.
Identifiers: ClinVar variation 412188 (VCV000412188.11), dbSNP rs1060503661, ClinGen allele CA16614295.

ClinVar aggregate classification (germline): Uncertain significance. Review status: criteria provided, multiple submitters, no conflicts (2 of 4 stars). 2 submissions from 2 submitters: Uncertain significance (2). Last evaluated 2025-03-26.

Conditions:
DICER1-related tumor predisposition. Also called: DICER1-related pleuropulmonary blastoma cancer predisposition syndrome; DICER1 syndrome. Identifiers: Orphanet 284343, MedGen C3839822, MONDO:0100216.
Hereditary cancer-predisposing syndrome. Also called: Hereditary neoplastic syndrome; Neoplastic Syndromes, Hereditary; Tumor predisposition; Hereditary Cancer Syndrome. Identifiers: Orphanet 140162, MedGen C0027672, MeSH D009386, MONDO:0015356.

Submissions (2):

Ambry Genetics
Classification: Uncertain significance for Hereditary cancer-predisposing syndrome. Last evaluated: 2025-03-26. Review status: criteria provided, single submitter. Criteria: Ambry Variant Classification Scheme 2023. Collection method: clinical testing. Allele origin: germline.
Comment: The p.L119F variant (also known as c.355C>T), located in coding exon 3 of the DICER1 gene, results from a C to T substitution at nucleotide position 355. The leucine at codon 119 is replaced by phenylalanine, an amino acid with highly similar properties. This amino acid position is conserved. In addition, the in silico prediction for this alteration is inconclusive. Based on the available evidence, the clinical significance of this variant remains unclear.

Labcorp Genetics (formerly Invitae), Labcorp
Classification: Uncertain significance for DICER1-related tumor predisposition. Last evaluated: 2016-11-21. Review status: criteria provided, single submitter. Criteria: Invitae Variant Classification Sherloc (09022015). Collection method: clinical testing. Allele origin: germline.
Comment: In summary, this variant is a novel missense change with uncertain impact on protein function. It has been classified as a Variant of Uncertain Significance. Algorithms developed to predict the effect of missense changes on protein structure and function do not agree on the potential impact of this missense change (SIFT: "Tolerated"; PolyPhen-2: "Probably Damaging"; Align-GVGD: "Class C0"). This variant is not present in population databases (ExAC no frequency) and has not been reported in the literature in individuals with a DICER1-related disease. This sequence change replaces leucine with phenylalanine at codon 119 of the DICER1 protein (p.Leu119Phe). The leucine residue is highly conserved and there is a small physicochemical difference between leucine and phenylalanine.